The following is an entry in ClinVar:

NM_017491.5(WDR1):c.818C>T (p.Pro273Leu)

Gene: WDR1 (WD repeat domain 1; minus strand). Cytogenetic location: 4p16.1.
Variant type: single nucleotide variant.
Coding change: c.818C>T on transcript NM_017491.5 (MANE Select); coding-DNA position 818, C replaced by T.
Protein change: p.Pro273Leu; replaces proline 273 with leucine.
Molecular consequence: missense variant.
Genome position (GRCh38, 1-based): chr4:10,087,840, G>A on the plus strand (C>T on the coding strand, the complement: WDR1 is on the minus strand). VCF-style: chr4-10087840-G-A. GRCh37 (hg19) VCF-style: chr4-10089464-G-A.
Other names: c.398C>T, p.Pro133Leu (NM_005112.5); short protein forms P133L, P273L.
Identifiers: ClinVar variation 1419313 (VCV001419313.5), dbSNP rs1578424920, ClinGen allele CA356361974.

ClinVar aggregate classification (germline): Uncertain significance (1 of 4 stars; one submission).

Allele frequency attached by ClinVar (database versions not stated): gnomAD exomes below 0.00001.
gnomAD v4.1: 4 of 1,578,704 alleles (0.00025%); highest among the groups gnomAD compares: Non-Finnish European, 0.00017%; no homozygotes.

Submission:

Labcorp Genetics (formerly Invitae), Labcorp
Classification: Uncertain significance. Last evaluated: 2021-09-02. Review status: criteria provided, single submitter. Criteria: Invitae Variant Classification Sherloc (09022015). Collection method: clinical testing. Allele origin: germline.
Comment: This sequence change replaces proline with leucine at codon 273 of the WDR1 protein (p.Pro273Leu). The proline residue is weakly conserved and there is a moderate physicochemical difference between proline and leucine. This variant is not present in population databases (ExAC no frequency). This variant has not been reported in the literature in individuals affected with WDR1-related conditions. Algorithms developed to predict the effect of missense changes on protein structure and function (SIFT, PolyPhen-2, Align-GVGD) all suggest that this variant is likely to be tolerated. In summary, the available evidence is currently insufficient to determine the role of this variant in disease. Therefore, it has been classified as a Variant of Uncertain Significance.